The following is an entry in ClinVar:

NM_001365951.3(KIF1B):c.4723G>A (p.Val1575Met)

Gene: KIF1B (kinesin family member 1B; plus strand). Cytogenetic location: 1p36.22.
Variant type: single nucleotide variant.
Coding change: c.4723G>A on transcript NM_001365951.3 (MANE Select); coding-DNA position 4723, G replaced by A.
Protein change: p.Val1575Met; replaces valine 1575 with methionine.
Molecular consequence: missense variant.
Genome position (GRCh38, 1-based): chr1:10,365,619, G>A. VCF-style: chr1-10365619-G-A. GRCh37 (hg19) VCF-style: chr1-10425677-G-A.
Other names: c.4723G>A, p.Val1575Met (NM_001365952.1); c.4585G>A, p.Val1529Met (NM_015074.3); short protein forms V1529M, V1575M.
Identifiers: ClinVar variation 1009684 (VCV001009684.12), dbSNP rs756027011, ClinGen allele CA582152.

ClinVar aggregate classification (germline): Uncertain significance. Review status: criteria provided, multiple submitters, no conflicts (2 of 4 stars). 2 submissions from 2 submitters: Uncertain significance (2). Last evaluated 2026-01-14.

Conditions:
Charcot-Marie-Tooth disease type 2. Also called: Charcot-Marie-Tooth type 2. Identifiers: Orphanet 64746, MedGen C0270914, MONDO:0018993.

Allele frequency attached by ClinVar (database versions not stated): gnomAD exomes 0.00001 and below 0.00001; ExAC 0.00001; gnomAD 0.00001.
gnomAD v4.1: 16 of 1,614,036 alleles (0.00099%); highest among the groups gnomAD compares: East Asian, 0.036%; no homozygotes.

Submissions (2):

Labcorp Genetics (formerly Invitae), Labcorp
Classification: Uncertain significance for Charcot-Marie-Tooth disease type 2. Last evaluated: 2026-01-14. Review status: criteria provided, single submitter. Criteria: Invitae Variant Classification Sherloc (09022015). Collection method: clinical testing. Allele origin: germline.
Comment: This sequence change replaces valine, which is neutral and non-polar, with methionine, which is neutral and non-polar, at codon 1529 of the KIF1B protein (p.Val1529Met). This variant is present in population databases (rs756027011, gnomAD 0.006%). This variant has not been reported in the literature in individuals affected with KIF1B-related conditions. ClinVar contains an entry for this variant (Variation ID: 1009684). An algorithm developed to predict the effect of missense changes on protein structure and function (PolyPhen-2) suggests that this variant is likely to be disruptive. In summary, the available evidence is currently insufficient to determine the role of this variant in disease. Therefore, it has been classified as a Variant of Uncertain Significance.

Ambry Genetics
Classification: Uncertain significance. Last evaluated: 2025-01-15. Review status: criteria provided, single submitter. Criteria: Ambry Variant Classification Scheme 2023. Collection method: clinical testing. Allele origin: germline.
Comment: The p.V1529M variant (also known as c.4585G>A), located in coding exon 40 of the KIF1B gene, results from a G to A substitution at nucleotide position 4585. The valine at codon 1529 is replaced by methionine, an amino acid with highly similar properties. This amino acid position is highly conserved in available vertebrate species. In addition, the in silico prediction for this alteration is inconclusive. The evidence for this gene-disease relationship is limited; therefore, the clinical significance of this alteration is unclear.